The following is an entry in ClinVar:

ClinVar aggregate classification (germline): Uncertain significance. Review status: criteria provided, multiple submitters, no conflicts (2 of 4 stars). 5 submissions from 2 submitters: Uncertain significance (5). Last evaluated 2018-01-13.

Conditions:
Permanent neonatal diabetes mellitus (PNDM). Identifiers: Orphanet 99885, MedGen C1833104, MONDO:0100164, MONDO:0011643. Disease mechanism: gain of function.
Transitory neonatal diabetes mellitus. Also called: Transient neonatal diabetes mellitus. Identifiers: MedGen C0342273, MONDO:0020525, HP:0008255.
Maturity-onset diabetes of the young (MODY). Also called: Maturity onset diabetes mellitus in young. Identifiers: Orphanet 552, MedGen C0342276, MONDO:0018911, HP:0004904.
Diabetes mellitus, transient neonatal, 2 (TNDM2). Identifiers: Orphanet 99886, MedGen C1835887, MONDO:0012480, OMIM 610374. Disease mechanism: loss of function.
Hyperinsulinemic hypoglycemia, familial, 1 (HHF1). Also called: Persistent hyperinsulinemic hypoglycemia of infancy; Persistent Hyperinsulinemia Hypoglycemia of Infancy; HYPERINSULINISM, FAMILIAL, WITH PANCREATIC NESIDIOBLASTOSIS; HYPOGLYCEMIA, HYPERINSULINEMIC, OF INFANCY; NESIDIOBLASTOSIS OF PANCREAS. Identifiers: Orphanet 276575, Orphanet 276598, MedGen C2931832, MONDO:0009734, OMIM 256450.

Allele frequency attached by ClinVar (database versions not stated): gnomAD exomes below 0.00001; TOPMed below 0.00001; gnomAD 0.00001.
gnomAD v4.1: 3 of 1,611,556 alleles (0.00019%); highest among the groups gnomAD compares: Middle Eastern, 0.016%; no homozygotes.

Submissions (5):

Illumina Laboratory Services, Illumina
Classification: Uncertain significance for Diabetes mellitus, transient neonatal, 2. Last evaluated: 2018-01-13. Review status: criteria provided, single submitter. Criteria: ICSL Variant Classification Criteria 13 December 2019. Collection method: clinical testing. Allele origin: germline.

Illumina Laboratory Services, Illumina
Classification: Uncertain significance for Permanent neonatal diabetes mellitus 1. Last evaluated: 2018-01-13. Review status: criteria provided, single submitter. Criteria: ICSL Variant Classification Criteria 13 December 2019. Collection method: clinical testing. Allele origin: germline.

Illumina Laboratory Services, Illumina
Classification: Uncertain significance for Hyperinsulinemic hypoglycemia, familial, 1. Last evaluated: 2018-01-13. Review status: criteria provided, single submitter. Criteria: ICSL Variant Classification Criteria 13 December 2019. Collection method: clinical testing. Allele origin: germline.

Clinical Genomics, Uppaluri K&H Personalized Medicine Clinic
Classification: Uncertain significance for Transitory neonatal diabetes mellitus. Review status: criteria provided, single submitter. Criteria: K & H Uppaluri Personalized Medicine Clinic Variant Classification & Assertion Criteria_Updated V.1. Collection method: research. Allele origin: unknown. Inheritance: Somatic mutation.
Comment: Mutations in ABCC8 gene are associated with both neonatal diabetes mellitus as well as MODY. Patients with this mutation may have a better response to sulfonylureas. However, no sufficient evidence is found to ascertain the role of this particular variant (rs996321405) in neonatal diabetes yet.

Clinical Genomics, Uppaluri K&H Personalized Medicine Clinic
Classification: Uncertain significance for Maturity-onset diabetes of the young. Review status: criteria provided, single submitter. Criteria: K & H Uppaluri Personalized Medicine Clinic Variant Classification & Assertion Criteria_Updated V.1. Collection method: research. Allele origin: unknown. Inheritance: Somatic mutation.
Comment: Mutations in ABCC8 gene are associated with both neonatal diabetes mellitus as well as MODY. Patients with this mutation may have a better response to sulfonylureas. However, no sufficient evidence is found to ascertain the role of this particular variant (rs996321405) in MODY yet.

Literature cited by the submitters: PubMed 16885549 (cited by Clinical Genomics, Uppaluri K&H Personalized Medicine Clinic); PubMed 21989597 (cited by Clinical Genomics, Uppaluri K&H Personalized Medicine Clinic); PubMed 27538677 (cited by Clinical Genomics, Uppaluri K&H Personalized Medicine Clinic); PubMed 18981553 (cited by Clinical Genomics, Uppaluri K&H Personalized Medicine Clinic); PubMed 32027066 (cited by Clinical Genomics, Uppaluri K&H Personalized Medicine Clinic); PubMed 16613899 (cited by Clinical Genomics, Uppaluri K&H Personalized Medicine Clinic); PubMed 18025408 (cited by Clinical Genomics, Uppaluri K&H Personalized Medicine Clinic); PubMed 32792356 (cited by Clinical Genomics, Uppaluri K&H Personalized Medicine Clinic).

NM_000352.6(ABCC8):c.148+3G>A

Gene: ABCC8 (ATP binding cassette subfamily C member 8; minus strand). Cytogenetic location: 11p15.1.
Variant type: single nucleotide variant.
Coding change: c.148+3G>A on transcript NM_000352.6 (MANE Select); 3 bases into the intron after coding-DNA position 148, G replaced by A.
Molecular consequence: intron variant.
Genome position (GRCh38, 1-based): chr11:17,476,626, C>T on the plus strand (G>A on the coding strand, the complement: ABCC8 is on the minus strand). VCF-style: chr11-17476626-C-T. GRCh37 (hg19) VCF-style: chr11-17498173-C-T.
Other names: c.148+3G>A (NM_001351297.2, NM_001351296.2, NM_001351295.2 and 1 more transcripts).
Identifiers: ClinVar variation 879032 (VCV000879032.6), dbSNP rs996321405, ClinGen allele CA218463846.